The following is an entry in ClinVar:

ClinVar aggregate classification (germline): Uncertain significance (1 of 4 stars; one submission).

Conditions:
Inborn genetic diseases. Identifiers: MedGen C0950123, MeSH D030342.

Submission:

Ambry Genetics
Classification: Uncertain significance for Inborn genetic diseases. Last evaluated: 2024-07-11. Review status: criteria provided, single submitter. Criteria: Ambry Variant Classification Scheme 2023. Collection method: clinical testing. Allele origin: germline.
Comment: The p.I237T variant (also known as c.710T>C), located in coding exon 6 of the EPAS1 gene, results from a T to C substitution at nucleotide position 710. The isoleucine at codon 237 is replaced by threonine, an amino acid with similar properties. This amino acid position is conserved. In addition, this alteration is predicted to be tolerated by in silico analysis. Based on the available evidence, the clinical significance of this variant remains unclear.

NM_001430.5(EPAS1):c.710T>C (p.Ile237Thr)

Genes: EPAS1 (endothelial PAS domain protein 1; plus strand), LOC126806210 (BRD4-independent group 4 enhancer GRCh37_chr2:46587586-46588785; plus strand). Cytogenetic location: 2p21.
Variant type: single nucleotide variant.
Coding change: c.710T>C on transcript NM_001430.5 (MANE Select); coding-DNA position 710, T replaced by C.
Protein change: p.Ile237Thr; replaces isoleucine 237 with threonine.
Molecular consequence: missense variant.
Genome position (GRCh38, 1-based): chr2:46,361,021, T>C. VCF-style: chr2-46361021-T-C. GRCh37 (hg19) VCF-style: chr2-46588160-T-C.
Other names: short protein forms I237T.
Identifiers: ClinVar variation 3508944 (VCV003508944.1).